The following is an entry in ClinVar:

NM_005909.5(MAP1B):c.366C>T (p.Thr122=)

Gene: MAP1B (microtubule associated protein 1B; plus strand). Cytogenetic location: 5q13.2.
Variant type: single nucleotide variant.
Coding change: c.366C>T on transcript NM_005909.5 (MANE Select); coding-DNA position 366, C replaced by T.
Protein change: p.Thr122=; no amino-acid change (threonine 122 retained).
Molecular consequence: synonymous variant. On other transcripts: 5 prime UTR variant (1).
Genome position (GRCh38, 1-based): chr5:72,183,822, C>T. VCF-style: chr5-72183822-C-T. GRCh37 (hg19) VCF-style: chr5-71479649-C-T.
Other names: c.-13C>T (NM_001324255.2).
Identifiers: ClinVar variation 4981800 (VCV004981800.1).

ClinVar aggregate classification (germline): Likely benign (1 of 4 stars; one submission).

Conditions:
MAP1B-related disorder. Also called: MAP1B-related condition.

gnomAD v4.1: 48 of 1,613,576 alleles (0.003%); highest among the groups gnomAD compares: Admixed American, 0.05%; no homozygotes.

Submission:

PreventionGenetics, part of Exact Sciences
Classification: Likely benign for MAP1B-related condition. Last evaluated: 2026-07-16. Review status: criteria provided, single submitter. Criteria: ACMG Guidelines, 2015. Collection method: clinical testing. Allele origin: germline.
Comment: This variant is classified as likely benign based on ACMG/AMP sequence variant interpretation guidelines (Richards et al. 2015 PMID: 25741868, with internal and published modifications).